The following is an entry in ClinVar:

ClinVar aggregate classification (germline): Pathogenic (1 of 4 stars; one submission).

Submission:

Labcorp Genetics (formerly Invitae), Labcorp
Classification: Pathogenic. Last evaluated: 2024-04-17. Review status: criteria provided, single submitter. Criteria: Invitae Variant Classification Sherloc (09022015). Collection method: clinical testing. Allele origin: germline.
Comment: This sequence change creates a premature translational stop signal (p.Pro1768Leufs*11) in the VPS13C gene. It is expected to result in an absent or disrupted protein product. Loss-of-function variants in VPS13C are known to be pathogenic (PMID: 26942284, 34875562). This variant is not present in population databases (gnomAD no frequency). This variant has not been reported in the literature in individuals affected with VPS13C-related conditions. For these reasons, this variant has been classified as Pathogenic.

Literature cited by the submitters: PubMed 26942284; PubMed 34875562.

NM_020821.3(VPS13C):c.5301del (p.Pro1768fs)

Gene: VPS13C (vacuolar protein sorting 13 homolog C; minus strand). Cytogenetic location: 15q22.2.
Variant type: Deletion.
Coding change: c.5301del on transcript NM_020821.3 (MANE Select); coding-DNA position 5301, one base deleted (T; older notation c.5301delT).
Protein change: p.Pro1768fs; shifts the reading frame from proline 1768.
Molecular consequence: frameshift variant.
Genome position (GRCh38, 1-based): chr15:61,941,915, A deleted on the plus strand (T on the coding strand, the reverse complement: VPS13C is on the minus strand); the first of 2 consecutive A bases (chr15:61,941,915-61,941,916); deleting either gives the same sequence. VCF-style (leftmost placement, unchanged base first): chr15-61941914-GA-G. GRCh37 (hg19) VCF-style: chr15-62234113-GA-G.
Other names: c.5301del, p.Pro1768fs (NM_001018088.3); c.5172del, p.Pro1725fs (NM_017684.5, NM_018080.4); short protein forms P1725fs, P1768fs.
Identifiers: ClinVar variation 3700203 (VCV003700203.2).
Genomic context (GRCh38, chr15:61,941,914, plus strand): 5'-TTTCAACTCTGATTAAACCCAGATCTGCTATAACAGCATTAGGTGATACTGAAGACTGAG[GA>G]ATAATAATAACTGGTGCTTTCAAATTAATATCCATCAAAAGGCGGAAACTCTTTTGAGCC-3'